The following is an entry in ClinVar:

ClinVar aggregate classification (germline): Uncertain significance. Review status: criteria provided, multiple submitters, no conflicts (2 of 4 stars). 2 submissions from 2 submitters: Uncertain significance (2). Last evaluated 2022-11-17.

Submissions (2):

GeneDx
Classification: Uncertain significance. Last evaluated: 2022-11-17. Review status: criteria provided, single submitter. Criteria: GeneDx Variant Classification Process June 2021. Collection method: clinical testing. Allele origin: germline. Affected: yes.
Comment: Not observed at significant frequency in large population cohorts (gnomAD); In silico analysis supports that this missense variant does not alter protein structure/function; Has not been previously published as pathogenic or benign to our knowledge

Labcorp Genetics (formerly Invitae), Labcorp
Classification: Uncertain significance. Last evaluated: 2022-05-16. Review status: criteria provided, single submitter. Criteria: Invitae Variant Classification Sherloc (09022015). Collection method: clinical testing. Allele origin: germline.
Comment: In summary, the available evidence is currently insufficient to determine the role of this variant in disease. Therefore, it has been classified as a Variant of Uncertain Significance. Algorithms developed to predict the effect of missense changes on protein structure and function (SIFT, PolyPhen-2, Align-GVGD) all suggest that this variant is likely to be tolerated. This variant has not been reported in the literature in individuals affected with RAI1-related conditions. This variant is not present in population databases (gnomAD no frequency). This sequence change replaces threonine, which is neutral and polar, with serine, which is neutral and polar, at codon 1075 of the RAI1 protein (p.Thr1075Ser).

NM_030665.4(RAI1):c.3224C>G (p.Thr1075Ser)

Gene: RAI1 (retinoic acid induced 1; plus strand). Cytogenetic location: 17p11.2.
Variant type: single nucleotide variant.
Coding change: c.3224C>G on transcript NM_030665.4 (MANE Select); coding-DNA position 3224, C replaced by G.
Protein change: p.Thr1075Ser; replaces threonine 1075 with serine.
Molecular consequence: missense variant.
Genome position (GRCh38, 1-based): chr17:17,796,172, C>G. VCF-style: chr17-17796172-C-G. GRCh37 (hg19) VCF-style: chr17-17699486-C-G.
Other names: c.3224C>G (NM_030665.3); short protein forms T1075S.
Identifiers: ClinVar variation 1995149 (VCV001995149.5), dbSNP rs1012348204, ClinGen allele CA288370296.
Genomic context (GRCh38, chr17:17,796,172, plus strand): 5'-TGTGTACTCGTTCTCTCACGGCCCTGAGTGAGCCCCGCACGCCCGGACCCCCAGGCCTGA[C>G]CACCACCCCTGCACCCCCAGACAAACTGGGGGGCAAGCAGCGAGCCGCCTTCAAGTCGGG-3'
Protein context (NP_109590.3, residues 1065-1085): EPRTPGPPGL[Thr1075Ser]TTPAPPDKLG